The following is an entry in ClinVar:

NM_000245.4(MET):c.4122C>A (p.Asn1374Lys)

Gene: MET (MET proto-oncogene, receptor tyrosine kinase; plus strand). Cytogenetic location: 7q31.2.
Variant type: single nucleotide variant.
Coding change: c.4122C>A on transcript NM_000245.4 (MANE Select); coding-DNA position 4122, C replaced by A.
Protein change: p.Asn1374Lys; replaces asparagine 1374 with lysine.
Molecular consequence: missense variant.
Genome position (GRCh38, 1-based): chr7:116,796,073, C>A. VCF-style: chr7-116796073-C-A. GRCh37 (hg19) VCF-style: chr7-116436127-C-A.
Other names: c.4176C>A, p.Asn1392Lys (NM_001127500.3); c.2832C>A, p.Asn944Lys (NM_001324402.2); short protein forms N1392K, N1374K, N944K.
Identifiers: ClinVar variation 971936 (VCV000971936.16), dbSNP rs370767911, ClinGen allele CA369118437.

ClinVar aggregate classification (germline): Conflicting classifications of pathogenicity. Review status: criteria provided, conflicting classifications (1 of 4 stars). 5 submissions from 5 submitters: Uncertain significance (4); Likely benign (1). Last evaluated 2025-12-24.

Conditions:
Renal cell carcinoma. Identifiers: Orphanet 217071, MedGen C0007134, MeSH D002292, MONDO:0005086, HP:0005584.
Hereditary cancer-predisposing syndrome. Also called: Neoplastic Syndromes, Hereditary; Hereditary Cancer Syndrome; Tumor predisposition; Hereditary neoplastic syndrome. Identifiers: Orphanet 140162, MedGen C0027672, MeSH D009386, MONDO:0015356.
Papillary renal cell carcinoma type 1 (RCCP1). Also called: RENAL CELL CARCINOMA, PAPILLARY, 1, SOMATIC; Renal adenocarcinoma; Renal cell carcinoma 1; Renal cell carcinoma, somatic. Identifiers: Orphanet 47044, MedGen C1336839, OMIM 605074, HP:0011797.
Hepatocellular carcinoma (HCC). Also called: Primary carcinoma of liver; HEPATOMA; LIVER CELL CARCINOMA. Identifiers: Orphanet 88673, MedGen C2239176, MONDO:0007256, OMIM 114550, HP:0001402.
Autosomal recessive nonsyndromic hearing loss 97. Also called: Deafness, autosomal recessive 97. Identifiers: Orphanet 90636, MedGen C4084709, MONDO:0014739, OMIM 616705.
Osteofibrous dysplasia (OSFD). Also called: Tibia, bowing of, with pseudarthrosis and pectus excavatum. Identifiers: Orphanet 488265, MedGen C4085248, MONDO:0011806, OMIM 607278.

Submissions (5):

Labcorp Genetics (formerly Invitae), Labcorp
Classification: Uncertain significance for Renal cell carcinoma. Last evaluated: 2025-12-24. Review status: criteria provided, single submitter. Criteria: Invitae Variant Classification Sherloc (09022015). Collection method: clinical testing. Allele origin: germline.
Comment: This sequence change replaces asparagine, which is neutral and polar, with lysine, which is basic and polar, at codon 1392 of the MET protein (p.Asn1392Lys). This variant is not present in population databases (gnomAD no frequency). This variant has not been reported in the literature in individuals affected with MET-related conditions. ClinVar contains an entry for this variant (Variation ID: 971936). An algorithm developed to predict the effect of missense changes on protein structure and function (PolyPhen-2) suggests that this variant is likely to be tolerated. In summary, the available evidence is currently insufficient to determine the role of this variant in disease. Therefore, it has been classified as a Variant of Uncertain Significance.

GeneDx
Classification: Uncertain significance. Last evaluated: 2024-03-01. Review status: criteria provided, single submitter. Criteria: GeneDx Variant Classification Process June 2021. Collection method: clinical testing. Allele origin: germline. Affected: yes.
Comment: Not observed at significant frequency in large population cohorts (gnomAD); In silico analysis supports that this missense variant does not alter protein structure/function; Has not been previously published as pathogenic or benign to our knowledge

Ambry Genetics
Classification: Likely benign for Hereditary cancer-predisposing syndrome. Last evaluated: 2024-02-22. Review status: criteria provided, single submitter. Criteria: Ambry Variant Classification Scheme 2023. Collection method: clinical testing. Allele origin: germline.

Fulgent Genetics
Classification: Uncertain significance for Hepatocellular carcinoma; Papillary renal cell carcinoma type 1; Osteofibrous dysplasia; Autosomal recessive nonsyndromic hearing loss 97. Last evaluated: 2022-04-07. Review status: criteria provided, single submitter. Criteria: ACMG Guidelines, 2015. Collection method: clinical testing. Allele origin: unknown.

Sema4
Classification: Uncertain significance for Hereditary cancer-predisposing syndrome. Last evaluated: 2021-11-12. Review status: criteria provided, single submitter. Criteria: Sema4 Curation Guidelines. Collection method: curation. Allele origin: germline.
Comment: To the best of our knowledge, the MET c.4176C>A (p.N1392K) variant has not been reported in individuals with MET-related disease. This variant is not reported in the population database Genome Aggregation Database (PMID: 32461654), but has been reported in ClinVar (Variation ID: 971936). In silico tools suggest the impact of the variant on protein function is benign, though these predictions have not been confirmed by functional studies. Based on the current evidence available, this variant is interpreted as a variant of uncertain significance.